The following is an entry in ClinVar:

ClinVar aggregate classification (germline): Uncertain significance. Review status: criteria provided, multiple submitters, no conflicts (2 of 4 stars). 4 submissions from 4 submitters: Uncertain significance (4). Last evaluated 2026-03-07.

Conditions:
Hereditary cancer-predisposing syndrome. Also called: Tumor predisposition; Hereditary neoplastic syndrome; Hereditary Cancer Syndrome; Neoplastic Syndromes, Hereditary. Identifiers: Orphanet 140162, MedGen C0027672, MeSH D009386, MONDO:0015356.
Tuberous sclerosis 2 (TSC2). Identifiers: Orphanet 805, MedGen C1860707, MONDO:0013199, OMIM 613254.

Allele frequency attached by ClinVar (database versions not stated): TOPMed below 0.00001; gnomAD 0.00001.

Submissions (4):

Ambry Genetics
Classification: Uncertain significance for Hereditary cancer-predisposing syndrome. Last evaluated: 2026-03-07. Review status: criteria provided, single submitter. Criteria: Ambry Variant Classification Scheme 2023. Collection method: clinical testing. Allele origin: germline.
Comment: The p.T1173I variant (also known as c.3518C>T), located in coding exon 29 of the TSC2 gene, results from a C to T substitution at nucleotide position 3518. The threonine at codon 1173 is replaced by isoleucine, an amino acid with similar properties. This amino acid position is conserved. In addition, the in silico prediction for this alteration is inconclusive. Based on the available evidence, the clinical significance of this variant remains unclear.

Labcorp Genetics (formerly Invitae), Labcorp
Classification: Uncertain significance for Tuberous sclerosis 2. Last evaluated: 2024-06-05. Review status: criteria provided, single submitter. Criteria: Invitae Variant Classification Sherloc (09022015). Collection method: clinical testing. Allele origin: germline.
Comment: This sequence change replaces threonine, which is neutral and polar, with isoleucine, which is neutral and non-polar, at codon 1173 of the TSC2 protein (p.Thr1173Ile). This variant is not present in population databases (gnomAD no frequency). This variant has not been reported in the literature in individuals affected with TSC2-related conditions. ClinVar contains an entry for this variant (Variation ID: 938968). Advanced modeling of protein sequence and biophysical properties (such as structural, functional, and spatial information, amino acid conservation, physicochemical variation, residue mobility, and thermodynamic stability) performed at Invitae indicates that this missense variant is not expected to disrupt TSC2 protein function with a negative predictive value of 95%. In summary, the available evidence is currently insufficient to determine the role of this variant in disease. Therefore, it has been classified as a Variant of Uncertain Significance.

Genome-Nilou Lab
Classification: Uncertain significance for Tuberous sclerosis 2. Last evaluated: 2021-11-07. Review status: criteria provided, single submitter. Criteria: ACMG Guidelines, 2015. Collection method: clinical testing. Allele origin: germline. Affected: no.

New York Genome Center
Classification: Uncertain significance for Tuberous sclerosis 2. Last evaluated: 2020-02-23. Review status: criteria provided, single submitter. Criteria: NYGC Assertion Criteria 2020. Collection method: clinical testing. Allele origin: germline. Observed: 1 heterozygote. Study: CSER-NYCKidSeq.

NM_000548.5(TSC2):c.3518C>T (p.Thr1173Ile)

Gene: TSC2 (TSC complex subunit 2; plus strand). Cytogenetic location: 16p13.3.
Variant type: single nucleotide variant.
Coding change: c.3518C>T on transcript NM_000548.5 (MANE Select); coding-DNA position 3518, C replaced by T.
Protein change: p.Thr1173Ile; replaces threonine 1173 with isoleucine.
Molecular consequence: missense variant.
Genome position (GRCh38, 1-based): chr16:2,080,285, C>T. VCF-style: chr16-2080285-C-T. GRCh37 (hg19) VCF-style: chr16-2130286-C-T.
Other names: c.3386C>T, p.Thr1129Ile (NM_001077183.3, NM_001370404.1); c.3518C>T, p.Thr1173Ile (NM_001114382.3); c.3278C>T, p.Thr1093Ile (NM_001318827.2); c.3242C>T, p.Thr1081Ile (NM_001318829.2); c.2786C>T, p.Thr929Ile (NM_001318831.2); c.3419C>T, p.Thr1140Ile (NM_001318832.2); c.3389C>T, p.Thr1130Ile (NM_001363528.2, NM_001370405.1, NM_021055.3); short protein forms T1093I, T1129I, T1130I, T1140I, T1081I, T1173I, T929I.
Identifiers: ClinVar variation 938968 (VCV000938968.14), dbSNP rs2089969949, ClinGen allele CA394289321.